The following is an entry in ClinVar:

NM_152419.3(HGSNAT):c.446T>C (p.Ile149Thr)

Gene: HGSNAT (heparan-alpha-glucosaminide N-acetyltransferase; plus strand). Cytogenetic location: 8p11.21.
Variant type: single nucleotide variant.
Coding change: c.446T>C on transcript NM_152419.3 (MANE Select); coding-DNA position 446, T replaced by C.
Protein change: p.Ile149Thr; replaces isoleucine 149 with threonine.
Molecular consequence: missense variant. On other transcripts: 5 prime UTR variant (1).
Genome position (GRCh38, 1-based): chr8:43,158,997, T>C. VCF-style: chr8-43158997-T-C. GRCh37 (hg19) VCF-style: chr8-43014140-T-C.
Other names: c.446T>C, p.Ile149Thr (NM_001363227.2, NM_001363228.2); c.-388T>C (NM_001363229.2); short protein forms I149T.
Identifiers: ClinVar variation 3763391 (VCV003763391.2).

ClinVar aggregate classification (germline): Uncertain significance (1 of 4 stars; one submission).

Conditions:
Mucopolysaccharidosis, MPS-III-C (MPS3C). Also called: SANFILIPPO SYNDROME C; MPS III C; Mucopolysaccharidosis type IIIC (Sanfilippo C); mucopolysaccharidosis type 3C; MUCOPOLYSACCHARIDOSIS, TYPE IIIC; MPS IIIC (Sanfilippo Syndrome Type C). Identifiers: Orphanet 581, Orphanet 79271, MedGen C0086649, MONDO:0009657, OMIM 252930.
Retinitis pigmentosa 73 (RP73). Identifiers: Orphanet 791, MedGen C4225287, MONDO:0014687, OMIM 616544.

gnomAD v4.1: 2 of 1,613,786 alleles (0.00012%); highest among the groups gnomAD compares: African/African-American, 0.0027%; no homozygotes.

Submission:

Labcorp Genetics (formerly Invitae), Labcorp
Classification: Uncertain significance for Retinitis pigmentosa 73; Mucopolysaccharidosis, MPS-III-C. Last evaluated: 2024-10-05. Review status: criteria provided, single submitter. Criteria: Invitae Variant Classification Sherloc (09022015). Collection method: clinical testing. Allele origin: germline.
Comment: This sequence change replaces isoleucine, which is neutral and non-polar, with threonine, which is neutral and polar, at codon 149 of the HGSNAT protein (p.Ile149Thr). This variant is present in population databases (no rsID available, gnomAD 0.007%). This variant has not been reported in the literature in individuals affected with HGSNAT-related conditions. Invitae Evidence Modeling of protein sequence and biophysical properties (such as structural, functional, and spatial information, amino acid conservation, physicochemical variation, residue mobility, and thermodynamic stability) indicates that this missense variant is not expected to disrupt HGSNAT protein function with a negative predictive value of 95%. In summary, the available evidence is currently insufficient to determine the role of this variant in disease. Therefore, it has been classified as a Variant of Uncertain Significance.